The following is an entry in ClinVar:

NM_000492.4(CFTR):c.1330_1331del (p.Asp443_Ile444insTer)

Genes: CFTR (CF transmembrane conductance regulator; plus strand), CFTR-AS1 (CFTR antisense RNA 1; minus strand). Cytogenetic location: 7q31.2.
Variant type: Microsatellite.
Coding change: c.1330_1331del on transcript NM_000492.4 (MANE Select); coding-DNA positions 1330 to 1331, 2 bases deleted (AT; older notation c.1330_1331delAT).
Protein change: p.Asp443_Ile444insTer.
Molecular consequence: nonsense.
Genome position (GRCh38, 1-based): chr7:117,548,761-117,548,762, AT deleted; deleting any 2 consecutive bases within chr7:117,548,759-117,548,762 gives the same sequence; the c. name uses the placement nearest the transcript's 3' end. VCF-style (leftmost placement, unchanged base first): chr7-117548758-GAT-G. GRCh37 (hg19) VCF-style: chr7-117188812-GAT-G.
Other names: p.Ile444X; c.1330_1331delAT (NM_000492.3).
Identifiers: ClinVar variation 53231 (VCV000053231.11), dbSNP rs397508190, ClinGen allele CA326454.
Genomic context (GRCh38, chr7:117,548,758, plus strand): 5'-AATGGTGATGACAGCCTCTTCTTCAGTAATTTCTCACTTCTTGGTACTCCTGTCCTGAAA[GAT>G]ATTAATTTCAAGATAGAAAGAGGACAGTTGTTGGCGGTTGCTGGATCCACTGGAGCAGGC-3'

ClinVar aggregate classification (germline): Pathogenic. Review status: reviewed by expert panel (3 of 4 stars). 6 submissions from 6 submitters: Pathogenic (1). 5 of the submissions do not count toward it. Last evaluated 2021-09-24.

Conditions:
CFTR-related disorder (CFTR-RD). Also called: CFTR-related condition; CFTR-related disorders. Identifiers: MedGen C5924204, MONDO:7770004.
Cystic fibrosis (CF). Also called: MUCOVISCIDOSIS. Identifiers: Orphanet 586, MedGen C0010674, MONDO:0009061, OMIM 219700. Disease mechanism: loss of function.

Submissions (6):

CFTR2
Classification: Pathogenic for Cystic fibrosis. Last evaluated: 2021-09-24. Review status: reviewed by expert panel. Criteria: Submitter's publication and website. Collection method: research. Allele origin: germline. Affected: yes.

Natera, Inc.
Classification: Pathogenic for CFTR-related disorders. Last evaluated: 2025-02-03. Review status: criteria provided, single submitter. Criteria: Natera Variant Classification Schema (03/2026). Collection method: clinical testing. Allele origin: germline. Not counted in ClinVar's aggregate classification.
Comment: The c.1330_1331delAT variant in CFTR is a frameshift variant predicted to shift the reading frame and introduce a stop codon. This variant is expected to result in nonsense mediated decay, truncation, or a dysfunctional protein product. This variant is rare in the general population with a frequency below the threshold expected for the associated phenotype(s). This variant has been observed in one or more individuals affected with the associated recessive disease, as either homozygous or compound heterozygous with a second variant (PMID: 8723695). Given the available evidence, this variant is classified as Pathogenic.

Labcorp Genetics (formerly Invitae), Labcorp
Classification: Pathogenic for Cystic fibrosis. Last evaluated: 2023-11-19. Review status: criteria provided, single submitter. Criteria: Invitae Variant Classification Sherloc (09022015). Collection method: clinical testing. Allele origin: germline. Not counted in ClinVar's aggregate classification.
Comment: This sequence change creates a premature translational stop signal (p.Ile444*) in the CFTR gene. It is expected to result in an absent or disrupted protein product. Loss-of-function variants in CFTR are known to be pathogenic (PMID: 1695717, 7691345, 9725922). This variant is not present in population databases (gnomAD no frequency). This premature translational stop signal has been observed in individual(s) with cystic fibrosis (PMID: 8723695). In at least one individual the data is consistent with being in trans (on the opposite chromosome) from a pathogenic variant. This variant is also known as 1460delAT. ClinVar contains an entry for this variant (Variation ID: 53231). For these reasons, this variant has been classified as Pathogenic.

Women's Health and Genetics/Laboratory Corporation of America, LabCorp
Classification: Likely pathogenic. Last evaluated: 2018-11-29. Review status: criteria provided, single submitter. Criteria: LabCorp Variant Classification Summary - May 2015. Collection method: clinical testing. Allele origin: germline. Not counted in ClinVar's aggregate classification.
Comment: Variant summary: CFTR c.1330_1331delAT (p.Ile444X) results in a premature termination codon, predicted to cause a truncation of the encoded protein or absence of the protein due to nonsense mediated decay, which are commonly known mechanisms for disease. Truncations downstream of this position have been classified as pathogenic by our laboratory (eg. p.Val456fsX25, p.Ser466X, p.Gly473fsX54). The variant was absent in 238218 control chromosomes (gnomAD). c.1330_1331delAT has been reported in the literature in an individual affected with Cystic Fibrosis (Bienvenu_1996). Despite being located in a region of potential high homology with pseudogenes, one paper reports special PCR methodology to capture only CFTR exon 10, and reports the variant to appear authentic and not an ectopic variant (El Seedy_2013). To our knowledge, no experimental evidence demonstrating an impact on protein function has been reported. No clinical diagnostic laboratories have submitted clinical-significance assessments for this variant to ClinVar after 2014. Based on the evidence outlined above, the variant was classified as likely pathogenic.

CFTR-France
Classification: Pathogenic for cystic fibrosis; CFTR-related disorders. Last evaluated: 2018-01-29. Review status: criteria provided, single submitter. Criteria: Claustres M et al. (Hum Mutat 2017). Collection method: curation. Allele origin: germline. Affected: yes. Not counted in ClinVar's aggregate classification.
Comment: the variant causes a phenotype but regarding our data, we can't formally attribute it to CF, CFTR-RD or both

ClinVar Staff, National Center for Biotechnology Information (NCBI)
No classification provided. Condition: CFTR-related disorders. Review status: no classification provided. Collection method: literature only. Allele origin: germline. Affected: yes. Not counted in ClinVar's aggregate classification.

Literature cited by the submitters: PubMed 8723695 (cited by 4 submitters); PubMed 1695717 (cited by Labcorp Genetics (formerly Invitae), Labcorp); PubMed 7691345 (cited by Labcorp Genetics (formerly Invitae), Labcorp); PubMed 9725922 (cited by Labcorp Genetics (formerly Invitae), Labcorp); PubMed 19710401 (cited by Women's Health and Genetics/Laboratory Corporation of America, LabCorp); PubMed 12000363 (cited by Women's Health and Genetics/Laboratory Corporation of America, LabCorp); PubMed 16963320 (cited by Women's Health and Genetics/Laboratory Corporation of America, LabCorp); PubMed 9084934 (cited by Women's Health and Genetics/Laboratory Corporation of America, LabCorp); PubMed 23261175 (cited by Women's Health and Genetics/Laboratory Corporation of America, LabCorp).